The following is an entry in ClinVar:

ClinVar aggregate classification (germline): Uncertain significance. Review status: criteria provided, multiple submitters, no conflicts (2 of 4 stars). 2 submissions from 2 submitters: Uncertain significance (2). Last evaluated 2023-12-04.

Conditions:
APC-Associated Polyposis Disorders.
Hereditary cancer-predisposing syndrome. Also called: Neoplastic Syndromes, Hereditary; Tumor predisposition; Hereditary neoplastic syndrome; Hereditary Cancer Syndrome. Identifiers: Orphanet 140162, MedGen C0027672, MeSH D009386, MONDO:0015356.

Submissions (2):

Color Diagnostics, LLC DBA Color Health
Classification: Uncertain significance for Hereditary cancer-predisposing syndrome. Last evaluated: 2023-12-04. Review status: criteria provided, single submitter. Criteria: ACMG Guidelines, 2015. Collection method: clinical testing. Allele origin: germline.
Comment: This missense variant replaces glutamic acid with glutamine at codon 2106 of the APC protein. Computational prediction tools and conservation analyses are inconclusive regarding the impact of this variant on the protein function. Computational splicing tools suggest that this variant may not impact RNA splicing. To our knowledge, functional assays have not been performed for this variant nor has this variant been reported in individuals affected with hereditary cancer in the literature. This variant has not been identified in the general population by the Genome Aggregation Database (gnomAD). Available evidence is insufficient to determine the role of this variant in disease conclusively. Therefore, this variant is classified as a Variant of Uncertain Significance.

Illumina Laboratory Services, Illumina
Classification: Uncertain significance for APC-Associated Polyposis Disorders. Last evaluated: 2018-01-12. Review status: criteria provided, single submitter. Criteria: ICSL Variant Classification Criteria 13 December 2019. Collection method: clinical testing. Allele origin: germline.

NM_000038.6(APC):c.6316G>C (p.Glu2106Gln)

Gene: APC (APC regulator of Wnt signaling pathway; plus strand). Cytogenetic location: 5q22.2.
Variant type: single nucleotide variant.
Coding change: c.6316G>C on transcript NM_000038.6 (MANE Select); coding-DNA position 6316, G replaced by C.
Protein change: p.Glu2106Gln; replaces glutamic acid 2106 with glutamine.
Molecular consequence: missense variant.
Genome position (GRCh38, 1-based): chr5:112,841,910, G>C. VCF-style: chr5-112841910-G-C. GRCh37 (hg19) VCF-style: chr5-112177607-G-C.
Other names: c.6316G>C, p.Glu2106Gln (NM_001127510.3, NM_001354895.2); c.6262G>C, p.Glu2088Gln (NM_001127511.3); c.6370G>C, p.Glu2124Gln (NM_001354896.2); c.6346G>C, p.Glu2116Gln (NM_001354897.2); c.6241G>C, p.Glu2081Gln (NM_001354898.2); c.6232G>C, p.Glu2078Gln (NM_001354899.2); c.6193G>C, p.Glu2065Gln (NM_001354900.2); c.6139G>C, p.Glu2047Gln (NM_001354901.2); and 5 more; short protein forms E2088Q, E2106Q, E1946Q, E2015Q, E2047Q, E2081Q, E2124Q, E1823Q.
Identifiers: ClinVar variation 350417 (VCV000350417.10), dbSNP rs886059796, ClinGen allele CA10618783.